The following is an entry in ClinVar:

NM_001389.5(DSCAM):c.1008C>T (p.Ser336=)

Gene: DSCAM (DS cell adhesion molecule; minus strand). Cytogenetic location: 21q22.2.
Variant type: single nucleotide variant.
Coding change: c.1008C>T on transcript NM_001389.5 (MANE Select); coding-DNA position 1008, C replaced by T.
Protein change: p.Ser336=; no amino-acid change (serine 336 retained).
Molecular consequence: synonymous variant. On other transcripts: non-coding transcript variant (1).
Genome position (GRCh38, 1-based): chr21:40,347,872, G>A on the plus strand (C>T on the coding strand, the complement: DSCAM is on the minus strand). VCF-style: chr21-40347872-G-A. GRCh37 (hg19) VCF-style: chr21-41719799-G-A.
Other names: c.1008C>T, p.Ser336= (NM_001271534.3).
Identifiers: ClinVar variation 710949 (VCV000710949.11), dbSNP rs73355334, ClinGen allele CA10031578.

ClinVar aggregate classification (germline): Benign/Likely benign. Review status: criteria provided, multiple submitters, no conflicts (2 of 4 stars). 2 submissions from 2 submitters: Benign (1); Likely benign (1). Last evaluated 2025-06-01.

Allele frequency attached by ClinVar (database versions not stated): ESP Exome Variant Server 0.00229; gnomAD 0.00230 and 0.00216; TOPMed 0.00230; 1000 Genomes Project 0.00240; 1000 Genomes Project 30x 0.00281; gnomAD exomes 0.00018 and 0.00059; ExAC 0.00063.
gnomAD v4.1: 618 of 1,613,984 alleles (0.038%); highest among the groups gnomAD compares: African/African-American, 0.7%; 1 homozygote.

Submissions (2):

CeGaT Center for Human Genetics Tuebingen
Classification: Likely benign. Last evaluated: 2025-06-01. Review status: criteria provided, single submitter. Criteria: CeGaT Center For Human Genetics Tuebingen Variant Classification Criteria Version 2. Collection method: clinical testing. Allele origin: germline. Affected: yes. Observed: 1 variant allele.
Comment: DSCAM: BP4, BP7

Labcorp Genetics (formerly Invitae), Labcorp
Classification: Benign. Last evaluated: 2018-01-30. Review status: criteria provided, single submitter. Criteria: Invitae Variant Classification Sherloc (09022015). Collection method: clinical testing. Allele origin: germline.